The following is an entry in ClinVar:

NM_003647.3(DGKE):c.156G>C (p.Arg52Ser)

Gene: DGKE (diacylglycerol kinase epsilon; plus strand). Cytogenetic location: 17q22.
Variant type: single nucleotide variant.
Coding change: c.156G>C on transcript NM_003647.3 (MANE Select); coding-DNA position 156, G replaced by C.
Protein change: p.Arg52Ser; replaces arginine 52 with serine.
Molecular consequence: missense variant.
Genome position (GRCh38, 1-based): chr17:56,834,951, G>C. VCF-style: chr17-56834951-G-C. GRCh37 (hg19) VCF-style: chr17-54912312-G-C.
Other names: short protein forms R52S.
Identifiers: ClinVar variation 3342284 (VCV003342284.1).

ClinVar aggregate classification (germline): Uncertain significance (1 of 4 stars; one submission).

Conditions:
Immunoglobulin-mediated membranoproliferative glomerulonephritis. Also called: NEPHROTIC SYNDROME, TYPE 7, WITH MEMBRANOPROLIFERATIVE GLOMERULONEPHRITIS; Nephrotic syndrome, type 7. Identifiers: Orphanet 329903, MedGen C3554330, MONDO:0014005, OMIM 615008.

gnomAD v4.1: 1 of 1,613,232 alleles (0.000062%); highest among the groups gnomAD compares: Middle Eastern, 0.016%; no homozygotes.

Submission:

MVZ Medizinische Genetik Mainz
Classification: Uncertain significance for Immunoglobulin-mediated membranoproliferative glomerulonephritis. Last evaluated: 2024-09-05. Review status: criteria provided, single submitter. Criteria: UK Practice Guidelines For Variant Classification V4 01 2020. Collection method: clinical testing. Allele origin: germline. Inheritance: Autosomal recessive inheritance. Affected: yes. Observed: 1 variant allele.
Comment: ACMG Criteria: PM2_SUP,PM3_SUP,BP4_MOD